The following is an entry in ClinVar:

ClinVar aggregate classification (germline): Uncertain significance (1 of 4 stars; one submission).

gnomAD v4.1: 2 of 1,550,822 alleles (0.00013%); highest among the groups gnomAD compares: African/African-American, 0.0014%; no homozygotes.

Submission:

Labcorp Genetics (formerly Invitae), Labcorp
Classification: Uncertain significance. Last evaluated: 2023-12-09. Review status: criteria provided, single submitter. Criteria: Invitae Variant Classification Sherloc (09022015). Collection method: clinical testing. Allele origin: germline.
Comment: This sequence change replaces tyrosine, which is neutral and polar, with cysteine, which is neutral and slightly polar, at codon 461 of the GUCY2C protein (p.Tyr461Cys). This variant is present in population databases (rs762908310, gnomAD 0.007%). This variant has not been reported in the literature in individuals affected with GUCY2C-related conditions. Advanced modeling of protein sequence and biophysical properties (such as structural, functional, and spatial information, amino acid conservation, physicochemical variation, residue mobility, and thermodynamic stability) performed at Invitae indicates that this missense variant is not expected to disrupt GUCY2C protein function with a negative predictive value of 80%. In summary, the available evidence is currently insufficient to determine the role of this variant in disease. Therefore, it has been classified as a Variant of Uncertain Significance.

NM_004963.4(GUCY2C):c.1382A>G (p.Tyr461Cys)

Gene: GUCY2C (guanylate cyclase 2C; minus strand). Cytogenetic location: 12p12.3.
Variant type: single nucleotide variant.
Coding change: c.1382A>G on transcript NM_004963.4 (MANE Select); coding-DNA position 1382, A replaced by G.
Protein change: p.Tyr461Cys; replaces tyrosine 461 with cysteine.
Molecular consequence: missense variant.
Genome position (GRCh38, 1-based): chr12:14,656,600, T>C on the plus strand (A>G on the coding strand, the complement: GUCY2C is on the minus strand). VCF-style: chr12-14656600-T-C. GRCh37 (hg19) VCF-style: chr12-14809534-T-C.
Other names: short protein forms Y461C.
Identifiers: ClinVar variation 2894718 (VCV002894718.3), dbSNP rs762908310, ClinGen allele CA6463435.